The following is an entry in ClinVar:

NM_005559.4(LAMA1):c.2453G>C (p.Trp818Ser)

Gene: LAMA1 (laminin subunit alpha 1; minus strand). Cytogenetic location: 18p11.31.
Variant type: single nucleotide variant.
Coding change: c.2453G>C on transcript NM_005559.4 (MANE Select); coding-DNA position 2453, G replaced by C.
Protein change: p.Trp818Ser; replaces tryptophan 818 with serine.
Molecular consequence: missense variant.
Genome position (GRCh38, 1-based): chr18:7,024,416, C>G on the plus strand (G>C on the coding strand, the complement: LAMA1 is on the minus strand). VCF-style: chr18-7024416-C-G. GRCh37 (hg19) VCF-style: chr18-7024415-C-G.
Other names: short protein forms W818S.
Identifiers: ClinVar variation 1433833 (VCV001433833.8), dbSNP rs140314525, ClinGen allele CA8882641.

ClinVar aggregate classification (germline): Uncertain significance. Review status: criteria provided, multiple submitters, no conflicts (2 of 4 stars). 2 submissions from 2 submitters: Uncertain significance (2). Last evaluated 2025-01-06.

Allele frequency attached by ClinVar (database versions not stated): ExAC 0.00001; gnomAD exomes 0.00004; TOPMed 0.00006; gnomAD 0.00009; ESP Exome Variant Server 0.00015.
gnomAD v4.1: 95 of 1,614,004 alleles (0.0059%); highest among the groups gnomAD compares: Non-Finnish European, 0.0078%; no homozygotes.

Submissions (2):

Labcorp Genetics (formerly Invitae), Labcorp
Classification: Uncertain significance. Last evaluated: 2025-01-06. Review status: criteria provided, single submitter. Criteria: Invitae Variant Classification Sherloc (09022015). Collection method: clinical testing. Allele origin: germline.
Comment: This sequence change replaces tryptophan, which is neutral and slightly polar, with serine, which is neutral and polar, at codon 818 of the LAMA1 protein (p.Trp818Ser). This variant is present in population databases (rs140314525, gnomAD 0.01%). This variant has not been reported in the literature in individuals affected with LAMA1-related conditions. ClinVar contains an entry for this variant (Variation ID: 1433833). Invitae Evidence Modeling of protein sequence and biophysical properties (such as structural, functional, and spatial information, amino acid conservation, physicochemical variation, residue mobility, and thermodynamic stability) indicates that this missense variant is not expected to disrupt LAMA1 protein function with a negative predictive value of 80%. In summary, the available evidence is currently insufficient to determine the role of this variant in disease. Therefore, it has been classified as a Variant of Uncertain Significance.

Blueprint Genetics
Classification: Uncertain significance. Last evaluated: 2023-10-20. Review status: criteria provided, single submitter. Criteria: ACMG Guidelines, 2015. Collection method: clinical testing. Allele origin: germline.